The following is an entry in ClinVar:

NM_001130009.3(GEN1):c.632C>T (p.Pro211Leu)

Gene: GEN1 (GEN1 Holliday junction 5' flap endonuclease; plus strand). Cytogenetic location: 2p24.2.
Variant type: single nucleotide variant.
Coding change: c.632C>T on transcript NM_001130009.3 (MANE Select); coding-DNA position 632, C replaced by T.
Protein change: p.Pro211Leu; replaces proline 211 with leucine.
Molecular consequence: missense variant.
Genome position (GRCh38, 1-based): chr2:17,766,685, C>T. VCF-style: chr2-17766685-C-T. GRCh37 (hg19) VCF-style: chr2-17947952-C-T.
Other names: c.632C>T, p.Pro211Leu (NM_182625.5); short protein forms P211L.
Identifiers: ClinVar variation 3853459 (VCV003853459.1).

ClinVar aggregate classification (germline): Uncertain significance (1 of 4 stars; one submission).

gnomAD v4.1: 4 of 1,523,626 alleles (0.00026%); highest among the groups gnomAD compares: Non-Finnish European, 0.00036%; no homozygotes.

Submission:

Ambry Genetics
Classification: Uncertain significance. Last evaluated: 2024-12-25. Review status: criteria provided, single submitter. Criteria: Ambry Variant Classification Scheme 2023. Collection method: clinical testing. Allele origin: germline.
Comment: The p.P211L variant (also known as c.632C>T), located in coding exon 4 of the GEN1 gene, results from a C to T substitution at nucleotide position 632. The proline at codon 211 is replaced by leucine, an amino acid with similar properties. This amino acid position is conserved. In addition, the in silico prediction for this alteration is inconclusive. Based on the available evidence, the clinical significance of this variant remains unclear.